The following is an entry in ClinVar:

ClinVar aggregate classification (germline): Benign. Review status: criteria provided, multiple submitters, no conflicts (2 of 4 stars). 2 submissions from 2 submitters: Benign (2). Last evaluated 2018-06-18.

Allele frequency attached by ClinVar (database versions not stated): ESP Exome Variant Server 0.08420; gnomAD 0.11252 and 0.11692; TOPMed 0.12583; ExAC 0.13458; gnomAD exomes 0.14333; 1000 Genomes Project 30x 0.17942; 1000 Genomes Project 0.18251.
gnomAD v4.1: 155,502 of 1,504,734 alleles (10%); highest among the groups gnomAD compares: East Asian, 39%; 11,065 homozygotes.

Submissions (2):

GeneDx
Classification: Benign. Last evaluated: 2018-06-18. Review status: criteria provided, single submitter. Criteria: GeneDx Variant Classification (06012015). Collection method: clinical testing. Allele origin: germline. Affected: yes.
Comment: This variant is considered likely benign or benign based on one or more of the following criteria: it is a conservative change, it occurs at a poorly conserved position in the protein, it is predicted to be benign by multiple in silico algorithms, and/or has population frequency not consistent with disease.

PreventionGenetics, part of Exact Sciences
Classification: Benign. Review status: criteria provided, single submitter. Criteria: ACMG Guidelines, 2015. Collection method: clinical testing. Allele origin: germline.

NM_000426.4(LAMA2):c.3037+49G>A

Gene: LAMA2 (laminin subunit alpha 2; plus strand). Cytogenetic location: 6q22.33.
Variant type: single nucleotide variant.
Coding change: c.3037+49G>A on transcript NM_000426.4 (MANE Select); 49 bases into the intron after coding-DNA position 3037, G replaced by A.
Molecular consequence: intron variant.
Genome position (GRCh38, 1-based): chr6:129,297,914, G>A. VCF-style: chr6-129297914-G-A. GRCh37 (hg19) VCF-style: chr6-129619059-G-A.
Other names: c.3037+49G>A (NM_001079823.2).
Identifiers: ClinVar variation 256063 (VCV000256063.2), dbSNP rs11967042, ClinGen allele CA3993141.